The following is an entry in ClinVar:

ClinVar aggregate classification (germline): Pathogenic (1 of 4 stars; one submission).

Submission:

Ambry Genetics
Classification: Pathogenic. Last evaluated: 2026-05-28. Review status: criteria provided, single submitter. Criteria: Ambry Variant Classification Scheme 2023. Collection method: clinical testing. Allele origin: germline.
Comment: The c.507_508delGGinsTT (p.G170*) variant, located in exon 2 (coding exon 2) of the EIF3B gene, consists of a substitution of two nucleotides from position 507 to 508. This changes the amino acid from a glycine to a stop codon at amino acid position 170. This variant is expected to result in loss of function by premature protein truncation or nonsense-mediated mRNA decay. This variant was not reported in population-based cohorts in the Genome Aggregation Database (gnomAD). Based on the available evidence, this alteration is classified as pathogenic.

NM_001037283.2(EIF3B):c.507_508delinsTT (p.Gly170Ter)

Gene: EIF3B (eukaryotic translation initiation factor 3 subunit B; plus strand). Cytogenetic location: 7p22.3.
Variant type: Indel.
Coding change: c.507_508delinsTT on transcript NM_001037283.2 (MANE Select); coding-DNA positions 507 to 508, GG replaced by TT.
Protein change: p.Gly170Ter; replaces glycine 170 with a stop codon.
Molecular consequence: nonsense. On other transcripts: 5 prime UTR variant (2).
Genome position (GRCh38, 1-based): chr7:2,360,717-2,360,718, GG replaced by TT. VCF-style: chr7-2360717-GG-TT. GRCh37 (hg19) VCF-style: chr7-2400352-GG-TT.
Other names: c.507_508delinsTT, p.Gly170Ter (NM_001362791.2, NM_003751.4); c.-310_-309delinsTT (NM_001362792.2, NM_001362793.2); short protein forms G170*.
Identifiers: ClinVar variation 4870340 (VCV004870340.1).
Genomic context (GRCh38, chr7:2,360,717, plus strand): 5'-TATTAATGTTTTTCTTGGTAAAAATGATCATTTGAAAAATCTCTCTTGTTCAGAATTACT[GG>TT]GAGATGTACTCAAAGATCGGCCCCAGGAAGCAGATGGAATCGATTCGGTGATTGTAGTGG-3'